The following is an entry in ClinVar:

NM_030962.4(SBF2):c.4777T>C (p.Ser1593Pro)

Genes: SBF2 (SET binding factor 2; minus strand), SBF2-AS1 (SBF2 antisense RNA 1; plus strand), LOC105369149 (uncharacterized LOC105369149; plus strand). Cytogenetic location: 11p15.4.
Variant type: single nucleotide variant.
Coding change: c.4777T>C on transcript NM_030962.4 (MANE Select); coding-DNA position 4777, T replaced by C.
Protein change: p.Ser1593Pro; replaces serine 1593 with proline.
Molecular consequence: missense variant.
Genome position (GRCh38, 1-based): chr11:9,789,264, A>G on the plus strand (T>C on the coding strand, the complement: SBF2 is on the minus strand). VCF-style: chr11-9789264-A-G. GRCh37 (hg19) VCF-style: chr11-9810811-A-G.
Other names: c.4873T>C, p.Ser1625Pro (NM_001386339.1); c.4648T>C, p.Ser1550Pro (NM_001386342.1); short protein forms S1625P, S1593P, S1550P.
Identifiers: ClinVar variation 1743005 (VCV001743005.2), dbSNP rs2494513094, ClinGen allele CA379634235.

ClinVar aggregate classification (germline): Uncertain significance (1 of 4 stars; one submission).

Conditions:
Inborn genetic diseases. Identifiers: MedGen C0950123, MeSH D030342.

Allele frequency attached by ClinVar (database versions not stated): gnomAD exomes below 0.00001.
gnomAD v4.1: 1 of 1,614,152 alleles (0.000062%); highest among the groups gnomAD compares: Non-Finnish European, 0.000085%; no homozygotes.

Submission:

Ambry Genetics
Classification: Uncertain significance for Inborn genetic diseases. Last evaluated: 2021-07-29. Review status: criteria provided, single submitter. Criteria: Ambry Variant Classification Scheme 2023. Collection method: clinical testing. Allele origin: germline.
Comment: The p.S1593P variant (also known as c.4777T>C), located in coding exon 35 of the SBF2 gene, results from a T to C substitution at nucleotide position 4777. The serine at codon 1593 is replaced by proline, an amino acid with similar properties. This amino acid position is conserved. In addition, the in silico prediction for this alteration is inconclusive. Since supporting evidence is limited at this time, the clinical significance of this alteration remains unclear.